The following is an entry in ClinVar:

NM_152594.3(SPRED1):c.424-98T>C

Gene: SPRED1 (sprouty related EVH1 domain containing 1; plus strand). Cytogenetic location: 15q14.
Variant type: single nucleotide variant.
Coding change: c.424-98T>C on transcript NM_152594.3 (MANE Select); 98 bases into the intron before coding-DNA position 424, T replaced by C.
Molecular consequence: intron variant.
Genome position (GRCh38, 1-based): chr15:38,339,639, T>C. VCF-style: chr15-38339639-T-C. GRCh37 (hg19) VCF-style: chr15-38631840-T-C.
Identifiers: ClinVar variation 561406 (VCV000561406.2), dbSNP rs7163339, ClinGen allele CA14169473.

ClinVar aggregate classification (germline): Benign. Review status: criteria provided, multiple submitters, no conflicts (2 of 4 stars). 2 submissions from 2 submitters: Benign (2). Last evaluated 2018-06-16.

Allele frequency attached by ClinVar (database versions not stated): 1000 Genomes Project 30x 0.79747; 1000 Genomes Project 0.79932; TOPMed 0.80540; gnomAD 0.82009 and 0.82441; gnomAD exomes 0.88006.
gnomAD v4.1: 1,113,512 of 1,275,682 alleles (87%); highest among the groups gnomAD compares: Non-Finnish European, 89%; 488,506 homozygotes.

Submissions (2):

GeneDx
Classification: Benign. Last evaluated: 2018-06-16. Review status: criteria provided, single submitter. Criteria: GeneDx Variant Classification (06012015). Collection method: clinical testing. Allele origin: germline. Affected: yes.
Comment: This variant is considered likely benign or benign based on one or more of the following criteria: it is a conservative change, it occurs at a poorly conserved position in the protein, it is predicted to be benign by multiple in silico algorithms, and/or has population frequency not consistent with disease.

Breakthrough Genomics
Classification: Benign. Review status: criteria provided, single submitter. Criteria: ACMG Guidelines, 2015. Collection method: not provided. Allele origin: germline. Inheritance: Autosomal dominant inheritance. Affected: yes.